The following is an entry in ClinVar:

ClinVar aggregate classification (germline): Uncertain significance (1 of 4 stars; one submission).

Conditions:
Congenital myasthenic syndrome 5. Identifiers: Orphanet 590, MedGen C1864233, MONDO:0011281, OMIM 603034.

Submission:

Labcorp Genetics (formerly Invitae), Labcorp
Classification: Uncertain significance for Congenital myasthenic syndrome 5. Last evaluated: 2022-08-20. Review status: criteria provided, single submitter. Criteria: Invitae Variant Classification Sherloc (09022015). Collection method: clinical testing. Allele origin: germline.
Comment: This variant, c.171_173del, results in the deletion of 1 amino acid(s) of the COLQ protein (p.Pro60del), but otherwise preserves the integrity of the reading frame. This variant is present in population databases (rs753308023, gnomAD 0.003%). This variant has not been reported in the literature in individuals affected with COLQ-related conditions. ClinVar contains an entry for this variant (Variation ID: 967138). Experimental studies and prediction algorithms are not available or were not evaluated, and the functional significance of this variant is currently unknown. In summary, the available evidence is currently insufficient to determine the role of this variant in disease. Therefore, it has been classified as a Variant of Uncertain Significance.

NM_005677.4(COLQ):c.168TCC[1] (p.Pro60del)

Gene: COLQ (collagen like tail subunit of asymmetric acetylcholinesterase; minus strand). Cytogenetic location: 3p25.1.
Variant type: Microsatellite.
Coding change: c.168TCC[1] on transcript NM_005677.4 (MANE Select); one copy of the 3-base unit TCC starting at c.168; the reference has two copies in a row; one copy, 3 bases deleted.
Protein change: p.Pro60del; deletes proline 60.
Molecular consequence: inframe deletion.
Genome position (GRCh38, 1-based): chr3:15,489,571-15,489,573, GGA deleted on the plus strand (TCC on the coding strand, the reverse complement: COLQ is on the minus strand); deleting any 3 consecutive bases within chr3:15,489,571-15,489,578 gives the same sequence; the position shown is the placement nearest the transcript's 3' end. VCF-style (leftmost placement, unchanged base first): chr3-15489570-TGGA-T. GRCh37 (hg19) VCF-style: chr3-15531077-TGGA-T.
Other names: c.138TCC[1], p.Pro50del (NM_080538.2); c.168TCC[1], p.Pro60del (NM_080539.4); short protein forms P50del, P60del.
Identifiers: ClinVar variation 967138 (VCV000967138.7), dbSNP rs753308023, ClinGen allele CA2276305.